The following is an entry in ClinVar:

NC_000022.11:g.(?_31754902)_(31815449_?)del

Gene: DEPDC5 (DEP domain containing 5, GATOR1 subcomplex subunit; plus strand). Cytogenetic location: 22q12.2-12.3.
Variant type: Deletion.
Identifiers: ClinVar variation 833512 (VCV000833512.1).

ClinVar aggregate classification (germline): Pathogenic (1 of 4 stars; one submission).

Conditions:
Familial focal epilepsy with variable foci (FPEVF). Identifiers: Orphanet 98820, MedGen C1858477, MONDO:0020310.

Submission:

Labcorp Genetics (formerly Invitae), Labcorp
Classification: Pathogenic for Familial focal epilepsy with variable foci. Last evaluated: 2019-05-13. Review status: criteria provided, single submitter. Criteria: Invitae Variant Classification Sherloc (09022015). Collection method: clinical testing. Allele origin: germline.
Comment: This variant is a gross deletion of the genomic region encompassing exons 2-21 of the DEPDC5 gene, which includes the initiator codon. The 5' end of this event is unknown as it extends beyond the assayed region for this gene and therefore may encompass additional genes. The 3' boundary is likely confined to intron 21 of the DEPDC5 gene. This is expected to result in an absent or disrupted protein product. This variant has not been reported in the literature in individuals with DEPDC5-related conditions. Loss-of-function variants in DEPDC5 are known to be pathogenic (PMID: 23542697, 23542701). For these reasons, this variant has been classified as Pathogenic.